The following is an entry in ClinVar:

NM_000342.4(SLC4A1):c.554C>G (p.Ser185Ter)

Gene: SLC4A1 (solute carrier family 4 member 1 (Diego blood group); minus strand). Cytogenetic location: 17q21.31.
Variant type: single nucleotide variant.
Coding change: c.554C>G on transcript NM_000342.4 (MANE Select); coding-DNA position 554, C replaced by G.
Protein change: p.Ser185Ter; replaces serine 185 with a stop codon.
Molecular consequence: nonsense.
Genome position (GRCh38, 1-based): chr17:44,259,864, G>C on the plus strand (C>G on the coding strand, the complement: SLC4A1 is on the minus strand). VCF-style: chr17-44259864-G-C. GRCh37 (hg19) VCF-style: chr17-42337232-G-C.
Other names: short protein forms S185*.
Identifiers: ClinVar variation 2002718 (VCV002002718.4), dbSNP rs2509969702, ClinGen allele CA399793630.
Genomic context (GRCh38, chr17:44,259,864, plus strand): 5'-CTCACCTGCTCACAGAAGAGCTGTGTCTCCAGTGAGGAGTGTTGGGGGAGCAGAGGCTGT[G>C]AAGGATCCCCAGAGCGTGTCAGGACTGCAGGCTTCACACCCCCCAGGGCCTCCAGCTCTC-3'

ClinVar aggregate classification (germline): Pathogenic (1 of 4 stars; one submission).

Submission:

Labcorp Genetics (formerly Invitae), Labcorp
Classification: Pathogenic. Last evaluated: 2022-08-12. Review status: criteria provided, single submitter. Criteria: Invitae Variant Classification Sherloc (09022015). Collection method: clinical testing. Allele origin: germline.
Comment: This variant has not been reported in the literature in individuals affected with SLC4A1-related conditions. This sequence change creates a premature translational stop signal (p.Ser185*) in the SLC4A1 gene. It is expected to result in an absent or disrupted protein product. Loss-of-function variants in SLC4A1 are known to be pathogenic (PMID: 8943874, 10926824, 23255290). This variant is not present in population databases (gnomAD no frequency). Algorithms developed to predict the effect of sequence changes on RNA splicing suggest that this variant may disrupt the consensus splice site. For these reasons, this variant has been classified as Pathogenic.

Literature cited by the submitters: PubMed 8943874; PubMed 10926824; PubMed 23255290.